The following is an entry in ClinVar:

NM_000093.5(COL5A1):c.492-280C>T

Gene: COL5A1 (collagen type V alpha 1 chain; plus strand). Cytogenetic location: 9q34.3.
Variant type: single nucleotide variant.
Coding change: c.492-280C>T on transcript NM_000093.5 (MANE Select); 280 bases into the intron before coding-DNA position 492, C replaced by T.
Molecular consequence: intron variant.
Genome position (GRCh38, 1-based): chr9:134,700,891, C>T. VCF-style: chr9-134700891-C-T. GRCh37 (hg19) VCF-style: chr9-137592737-C-T.
Other names: c.492-280C>T (NM_001278074.1).
Identifiers: ClinVar variation 669410 (VCV000669410.1), dbSNP rs10858272, ClinGen allele CA13021941.

ClinVar aggregate classification (germline): Benign (1 of 4 stars; one submission).

Allele frequency attached by ClinVar (database versions not stated): TOPMed 0.08969; gnomAD 0.09126 and 0.09369; 1000 Genomes Project 30x 0.10650; 1000 Genomes Project 0.11122.
gnomAD v4.1: 14,341 of 152,210 alleles (9.4%); highest among the groups gnomAD compares: East Asian, 27%; 829 homozygotes.

Submission:

GeneDx
Classification: Benign. Last evaluated: 2018-06-14. Review status: criteria provided, single submitter. Criteria: GeneDx Variant Classification (06012015). Collection method: clinical testing. Allele origin: germline. Affected: yes.
Comment: This variant is considered likely benign or benign based on one or more of the following criteria: it is a conservative change, it occurs at a poorly conserved position in the protein, it is predicted to be benign by multiple in silico algorithms, and/or has population frequency not consistent with disease.